The following is an entry in ClinVar:

NM_201384.3(PLEC):c.8512G>A (p.Glu2838Lys)

Gene: PLEC (plectin; minus strand). Cytogenetic location: 8q24.3.
Variant type: single nucleotide variant.
Coding change: c.8512G>A on transcript NM_201384.3 (MANE Select); coding-DNA position 8512, G replaced by A.
Protein change: p.Glu2838Lys; replaces glutamic acid 2838 with lysine.
Molecular consequence: missense variant.
Genome position (GRCh38, 1-based): chr8:143,921,309, C>T on the plus strand (G>A on the coding strand, the complement: PLEC is on the minus strand). VCF-style: chr8-143921309-C-T. GRCh37 (hg19) VCF-style: chr8-144995477-C-T.
Other names: c.8593G>A, p.Glu2865Lys (NM_000445.5); c.8470G>A, p.Glu2824Lys (NM_201378.4); c.8446G>A, p.Glu2816Lys (NM_201379.3); c.8923G>A, p.Glu2975Lys (NM_201380.4); c.8416G>A, p.Glu2806Lys (NM_201381.3); c.8512G>A, p.Glu2838Lys (NM_201382.4); c.8524G>A, p.Glu2842Lys (NM_201383.3); short protein forms E2865K, E2975K, E2806K, E2824K, E2838K, E2842K, E2816K.
Identifiers: ClinVar variation 539047 (VCV000539047.35), dbSNP rs201166060, ClinGen allele CA4925279.

ClinVar aggregate classification (germline): Likely benign. Review status: criteria provided, multiple submitters, no conflicts (2 of 4 stars). 4 submissions from 4 submitters: Likely benign (3). 1 of the submissions does not count toward it. Last evaluated 2026-04-01.

Conditions:
PLEC-related disorder. Also called: PLEC-related disorders; PLEC-related condition.
Epidermolysis bullosa simplex 5B, with muscular dystrophy (EBS5B). Also called: EPIDERMOLYSIS BULLOSA SIMPLEX AND LIMB-GIRDLE MUSCULAR DYSTROPHY; Epidermolysis bullosa simplex with muscular dystrophy. Identifiers: Orphanet 257, MedGen C2931072, MONDO:0009181, OMIM 226670.
Epidermolysis bullosa simplex, Ogna type (EBS5A). Also called: Pidermolysis bullosa simplex 5A, Ogna type; EPIDERMOLYSIS BULLOSA SIMPLEX 5A, OGNA TYPE. Identifiers: Orphanet 79401, MedGen C0432317, MONDO:0007555, OMIM 131950.
Epidermolysis bullosa simplex 5C, with pyloric atresia (EBS5C). Also called: PLEC1-Related Epidermolysis Bullosa with Pyloric Atresia; PLEC-Related Epidermolysis Bullosa with Pyloric Atresia; Epidermolysis bullosa simplex with pyloric atresia. Identifiers: Orphanet 158684, MedGen C2677349, MONDO:0012807, OMIM 612138.
Epidermolysis bullosa simplex with nail dystrophy (EBS5D). Identifiers: MedGen C4225309, MONDO:0014661, OMIM 616487.
Autosomal recessive limb-girdle muscular dystrophy type 2Q (LGMDR17). Also called: MUSCULAR DYSTROPHY, LIMB-GIRDLE, AUTOSOMAL RECESSIVE 17. Identifiers: Orphanet 254361, MedGen C3150989, MONDO:0013390, OMIM 613723.

Allele frequency attached by ClinVar (database versions not stated): TOPMed 0.00009; gnomAD 0.00011 and 0.00023; 1000 Genomes Project 30x 0.00016; 1000 Genomes Project 0.00020; ESP Exome Variant Server 0.00032; ExAC 0.00047; gnomAD exomes 0.00048.
gnomAD v4.1: 461 of 1,613,994 alleles (0.029%); highest among the groups gnomAD compares: South Asian, 0.32%; 4 homozygotes.

Submissions (4):

CeGaT Center for Human Genetics Tuebingen
Classification: Likely benign. Last evaluated: 2026-04-01. Review status: criteria provided, single submitter. Criteria: CeGaT Center For Human Genetics Tuebingen Variant Classification Criteria Version 2. Collection method: clinical testing. Allele origin: germline. Affected: yes. Observed: 2 variant alleles.
Comment: PLEC: BP4, BS2

Labcorp Genetics (formerly Invitae), Labcorp
Classification: Likely benign for Autosomal recessive limb-girdle muscular dystrophy type 2Q; Epidermolysis bullosa simplex, Ogna type; Epidermolysis bullosa simplex with nail dystrophy; Epidermolysis bullosa simplex 5C, with pyloric atresia; Epidermolysis bullosa simplex 5B, with muscular dystrophy. Last evaluated: 2025-12-01. Review status: criteria provided, single submitter. Criteria: Invitae Variant Classification Sherloc (09022015). Collection method: clinical testing. Allele origin: germline.

Blueprint Genetics
Classification: Likely benign. Last evaluated: 2024-09-05. Review status: criteria provided, single submitter. Criteria: ACMG Guidelines, 2015. Collection method: clinical testing. Allele origin: germline.

PreventionGenetics, part of Exact Sciences
Classification: Likely benign for PLEC-related condition. Last evaluated: 2024-06-05. Review status: no assertion criteria provided. Collection method: clinical testing. Allele origin: germline. Not counted in ClinVar's aggregate classification.
Comment: This variant is classified as likely benign based on ACMG/AMP sequence variant interpretation guidelines (Richards et al. 2015 PMID: 25741868, with internal and published modifications).